The following is an entry in ClinVar:

NM_000214.3(JAG1):c.3074_3075delinsAA (p.Gly1025Glu)

Gene: JAG1 (jagged canonical Notch ligand 1; minus strand). Cytogenetic location: 20p12.2.
Variant type: Indel.
Coding change: c.3074_3075delinsAA on transcript NM_000214.3 (MANE Select); coding-DNA positions 3074 to 3075, GG replaced by AA.
Protein change: p.Gly1025Glu; replaces glycine 1025 with glutamic acid.
Molecular consequence: missense variant.
Genome position (GRCh38, 1-based): chr20:10,640,907-10,640,908, CC replaced by TT on the plus strand (GG replaced by AA on the coding strand, the reverse complement: JAG1 is on the minus strand). VCF-style: chr20-10640907-CC-TT. GRCh37 (hg19) VCF-style: chr20-10621555-CC-TT.
Other names: c.3074_3075delGGinsAA (NM_000214.2); short protein forms G1025E.
Identifiers: ClinVar variation 2731210 (VCV002731210.4), dbSNP rs2514507927, ClinGen allele CA2697547298.

ClinVar aggregate classification (germline): Uncertain significance. Review status: criteria provided, multiple submitters, no conflicts (2 of 4 stars). 2 submissions from 2 submitters: Uncertain significance (2). Last evaluated 2025-02-02.

Conditions:
Alagille syndrome due to a JAG1 point mutation. Also called: HEPATIC DUCTULAR HYPOPLASIA, SYNDROMATIC; Alagille Syndrome 1; JAG1-Related Alagille Syndrome. Identifiers: Orphanet 261619, Orphanet 52, MedGen C1956125, MONDO:0016862, OMIM 118450.
Cardiovascular phenotype. Identifiers: MedGen CN230736.

Submissions (2):

Labcorp Genetics (formerly Invitae), Labcorp
Classification: Uncertain significance for Alagille syndrome due to a JAG1 point mutation. Last evaluated: 2025-02-02. Review status: criteria provided, single submitter. Criteria: Invitae Variant Classification Sherloc (09022015). Collection method: clinical testing. Allele origin: germline.
Comment: This variant, c.3074_3075delinsAA, is a complex sequence change that results in the deletion of 1 and insertion of 1 amino acid(s) in the JAG1 protein (p.Gly1025Glu). This variant is present in population databases (no rsID available, gnomAD 0.0004%). This variant has not been reported in the literature in individuals affected with JAG1-related conditions. ClinVar contains an entry for this variant (Variation ID: 2731210). An algorithm developed to predict the effect of missense changes on protein structure and function (PolyPhen-2) suggests that this variant is likely to be tolerated. In summary, the available evidence is currently insufficient to determine the role of this variant in disease. Therefore, it has been classified as a Variant of Uncertain Significance.

Ambry Genetics
Classification: Uncertain significance for Cardiovascular phenotype. Last evaluated: 2024-10-01. Review status: criteria provided, single submitter. Criteria: Ambry Variant Classification Scheme 2023. Collection method: clinical testing. Allele origin: germline.
Comment: The c.3074_3075delGGinsAA variant (also known as p.G1025E), located in coding exon 25 of the JAG1 gene, results from an in-frame deletion of GG and insertion of AA at nucleotide positions 3074 to 3075. This results in the substitution of the glycine residue for a glutamic acid residue at codon 1025, an amino acid with similar properties. This amino acid position is not well conserved in available vertebrate species. In addition, this alteration is predicted to be neutral by in silico analysis (Choi Y et al. PLoS ONE. 2012; 7(10):e46688). Based on the available evidence, the clinical significance of this variant remains unclear.